The following is an entry in ClinVar:

ClinVar aggregate classification (germline): Uncertain significance (1 of 4 stars; one submission).

Conditions:
Charcot-Marie-Tooth disease axonal type 2Z. Also called: CHARCOT-MARIE-TOOTH DISEASE, AXONAL, AUTOSOMAL DOMINANT, TYPE 2Z; CHARCOT-MARIE-TOOTH NEUROPATHY, TYPE 2Z. Identifiers: Orphanet 466768, MedGen C5569025, MONDO:0014736, OMIM 616688.

Submission:

Labcorp Genetics (formerly Invitae), Labcorp
Classification: Uncertain significance for Charcot-Marie-Tooth disease axonal type 2Z. Last evaluated: 2025-12-29. Review status: criteria provided, single submitter. Criteria: Invitae Variant Classification Sherloc (09022015). Collection method: clinical testing. Allele origin: germline.
Comment: This sequence change replaces threonine, which is neutral and polar, with isoleucine, which is neutral and non-polar, at codon 180 of the MORC2 protein (p.Thr180Ile). This variant is not present in population databases (gnomAD no frequency). This variant has not been reported in the literature in individuals affected with MORC2-related conditions. Invitae Evidence Modeling of protein sequence and biophysical properties (such as structural, functional, and spatial information, amino acid conservation, physicochemical variation, residue mobility, and thermodynamic stability) has been performed for this missense variant. However, the output from this modeling did not meet the statistical confidence thresholds required to predict the impact of this variant on MORC2 protein function. In summary, the available evidence is currently insufficient to determine the role of this variant in disease. Therefore, it has been classified as a Variant of Uncertain Significance.

NM_001303256.3(MORC2):c.539C>T (p.Thr180Ile)

Gene: MORC2 (MORC family CW-type zinc finger 2; minus strand). Cytogenetic location: 22q12.2.
Variant type: single nucleotide variant.
Coding change: c.539C>T on transcript NM_001303256.3 (MANE Select); coding-DNA position 539, C replaced by T.
Protein change: p.Thr180Ile; replaces threonine 180 with isoleucine.
Molecular consequence: missense variant.
Genome position (GRCh38, 1-based): chr22:30,942,159, G>A on the plus strand (C>T on the coding strand, the complement: MORC2 is on the minus strand). VCF-style: chr22-30942159-G-A. GRCh37 (hg19) VCF-style: chr22-31338146-G-A.
Other names: c.539C>T, p.Thr180Ile (NM_001303257.2); c.353C>T, p.Thr118Ile (NM_014941.3); short protein forms T118I, T180I.
Identifiers: ClinVar variation 4806338 (VCV004806338.1).